The following is an entry in ClinVar:

ClinVar aggregate classification (germline): Uncertain significance (1 of 4 stars; one submission).

Conditions:
Cardiac arrhythmia. Also called: Cardiac rhythm disease; Arrhythmia. Identifiers: MedGen C0003811, MONDO:0007263, HP:0011675.

Submission:

Color Diagnostics, LLC DBA Color Health
Classification: Uncertain significance for Cardiac arrhythmia. Last evaluated: 2024-08-29. Review status: criteria provided, single submitter. Criteria: ACMG Guidelines, 2015. Collection method: clinical testing. Allele origin: germline.
Comment: This missense variant replaces glutamic acid with aspartic acid at codon 444 of the KCNH2 protein. Computational prediction tools and conservation analyses suggest that this variant may not impact the protein function. To our knowledge, functional studies have not been reported for this variant. A different DNA change (c.1332G>T) with the same protein consequence has been observed in two related individuals affected with long QT syndrome (PMID: 12442276). This variant has not been identified in the general population by the Genome Aggregation Database (gnomAD). Available clinical evidence is insufficient to determine the role of this variant in disease conclusively. Therefore, this variant is classified as a Variant of Uncertain Significance.

Literature cited by the submitters: PubMed 12442276.

NM_000238.4(KCNH2):c.1332G>C (p.Glu444Asp)

Gene: KCNH2 (potassium voltage-gated channel subfamily H member 2; minus strand). Cytogenetic location: 7q36.1.
Variant type: single nucleotide variant.
Coding change: c.1332G>C on transcript NM_000238.4 (MANE Select); coding-DNA position 1332, G replaced by C.
Protein change: p.Glu444Asp; replaces glutamic acid 444 with aspartic acid.
Molecular consequence: missense variant.
Genome position (GRCh38, 1-based): chr7:150,952,650, C>G on the plus strand (G>C on the coding strand, the complement: KCNH2 is on the minus strand). VCF-style: chr7-150952650-C-G. GRCh37 (hg19) VCF-style: chr7-150649738-C-G.
Other names: c.312G>C, p.Glu104Asp (NM_001204798.2, NM_172057.3); c.1044G>C, p.Glu348Asp (NM_001406753.1, NM_001406756.1); c.1155G>C, p.Glu385Asp (NM_001406755.1); c.1032G>C, p.Glu344Asp (NM_001406757.1); c.1332G>C, p.Glu444Asp (NM_172056.3); short protein forms E104D, E444D, E344D, E385D, E348D.
Identifiers: ClinVar variation 927767 (VCV000927767.7), dbSNP rs9770044, ClinGen allele CA369859974.